The following is an entry in ClinVar:

NM_000548.5(TSC2):c.4663-4A>G

Gene: TSC2 (TSC complex subunit 2; plus strand). Cytogenetic location: 16p13.3.
Variant type: single nucleotide variant.
Coding change: c.4663-4A>G on transcript NM_000548.5 (MANE Select); 4 bases into the intron before coding-DNA position 4663, A replaced by G.
Molecular consequence: intron variant.
Genome position (GRCh38, 1-based): chr16:2,086,189, A>G. VCF-style: chr16-2086189-A-G. GRCh37 (hg19) VCF-style: chr16-2136190-A-G.
Other names: c.4663-4A>G (NM_000548.3); c.4594-4A>G (NM_001114382.3); c.4534-4A>G (NM_021055.3, NM_001370405.1); c.4465-4A>G (NM_001363528.2); c.4531-4A>G (NM_001370404.1); c.4462-4A>G (NM_001077183.3); c.4354-4A>G (NM_001318827.2); c.3931-4A>G (NM_001318831.2); and 2 more.
Identifiers: ClinVar variation 1987457 (VCV001987457.7), dbSNP rs1596437939, ClinGen allele CA2580091052.
Genomic context (GRCh38, chr16:2,086,189, plus strand): 5'-ACCCTCTGCGGGGCAGGGCCCGGCCCGGGAGTGATGCCACCCTGCCTCTCCCCTCTCCCC[A>G]CAGAGCAACAGCGAGCTCGCCATCCTGTCCAATGAGCATGGCTCCTACAGGTACACGGAG-3'

ClinVar aggregate classification (germline): Likely benign. Review status: criteria provided, multiple submitters, no conflicts (2 of 4 stars). 3 submissions from 3 submitters: Likely benign (3). Last evaluated 2025-10-02.

Conditions:
Tuberous sclerosis 2 (TSC2). Identifiers: Orphanet 805, MedGen C1860707, MONDO:0013199, OMIM 613254.
Hereditary cancer-predisposing syndrome. Also called: Hereditary Cancer Syndrome; Neoplastic Syndromes, Hereditary; Hereditary neoplastic syndrome; Tumor predisposition. Identifiers: Orphanet 140162, MedGen C0027672, MeSH D009386, MONDO:0015356.

gnomAD v4.1: 1 of 1,611,754 alleles (0.000062%); no homozygotes.

Submissions (3):

Labcorp Genetics (formerly Invitae), Labcorp
Classification: Likely benign for Tuberous sclerosis 2. Last evaluated: 2025-10-02. Review status: criteria provided, single submitter. Criteria: Invitae Variant Classification Sherloc (09022015). Collection method: clinical testing. Allele origin: germline.

Myriad Genetics, Inc.
Classification: Likely benign for Tuberous sclerosis 2. Last evaluated: 2025-06-04. Review status: criteria provided, single submitter. Criteria: Myriad Autosomal Dominant, Autosomal Recessive and X-Linked Classification Criteria (2023). Collection method: clinical testing. Allele origin: unknown.
Comment: This variant is considered likely benign. This variant is intronic and is not expected to impact mRNA splicing.

Ambry Genetics
Classification: Likely benign for Hereditary cancer-predisposing syndrome. Last evaluated: 2023-02-03. Review status: criteria provided, single submitter. Criteria: Ambry Variant Classification Scheme 2023. Collection method: clinical testing. Allele origin: germline.